The following is an entry in ClinVar:

NM_002863.5(PYGL):c.1778_1781del (p.Lys593fs)

Gene: PYGL (glycogen phosphorylase L; minus strand). Cytogenetic location: 14q22.1.
Variant type: Microsatellite.
Coding change: c.1778_1781del on transcript NM_002863.5 (MANE Select); coding-DNA positions 1778 to 1781, 4 bases deleted (AAGA; older notation c.1778_1781delAAGA).
Protein change: p.Lys593fs; shifts the reading frame from lysine 593.
Molecular consequence: frameshift variant.
Genome position (GRCh38, 1-based): chr14:50,912,024-50,912,027, TCTT deleted on the plus strand (AAGA on the coding strand, the reverse complement: PYGL is on the minus strand); deleting any 4 consecutive bases within chr14:50,912,024-50,912,031 gives the same sequence; the c. name uses the placement nearest the transcript's 3' end. VCF-style (leftmost placement, unchanged base first): chr14-50912023-GTCTT-G. GRCh37 (hg19) VCF-style: chr14-51378741-GTCTT-G.
Other names: c.1676_1679del, p.Lys559fs (NM_001163940.2); short protein forms K593fs, K559fs.
Identifiers: ClinVar variation 3701206 (VCV003701206.2).

ClinVar aggregate classification (germline): Pathogenic (1 of 4 stars; one submission).

Conditions:
Glycogen storage disease, type VI (GSD6). Also called: HERS DISEASE; PHOSPHORYLASE DEFICIENCY GLYCOGEN-STORAGE DISEASE OF LIVER; Glycogen storage disease type 6; Hepatic glycogen phosphorylase deficiency; Glycogen storage disease type 6, due to phosphorylation; GSD VI. Identifiers: Orphanet 369, MedGen C0017925, MONDO:0009294, OMIM 232700.

Submission:

Labcorp Genetics (formerly Invitae), Labcorp
Classification: Pathogenic for Glycogen storage disease, type VI. Last evaluated: 2024-05-06. Review status: criteria provided, single submitter. Criteria: Invitae Variant Classification Sherloc (09022015). Collection method: clinical testing. Allele origin: germline.
Comment: This sequence change creates a premature translational stop signal (p.Lys593Thrfs*26) in the PYGL gene. It is expected to result in an absent or disrupted protein product. Loss-of-function variants in PYGL are known to be pathogenic (PMID: 9536091, 21646031). This variant is present in population databases (rs764509227, gnomAD 0.01%). This premature translational stop signal has been observed in individual(s) with glycogen storage disease type VI (PMID: 35143115). For these reasons, this variant has been classified as Pathogenic.

Literature cited by the submitters: PubMed 9536091; PubMed 21646031; PubMed 35143115.